The following is an entry in ClinVar:

ClinVar aggregate classification (germline): Pathogenic (1 of 4 stars; one submission).

Submission:

Labcorp Genetics (formerly Invitae), Labcorp
Classification: Pathogenic. Last evaluated: 2024-09-20. Review status: criteria provided, single submitter. Criteria: Invitae Variant Classification Sherloc (09022015). Collection method: clinical testing. Allele origin: germline.
Comment: This sequence change creates a premature translational stop signal (p.Phe695Leufs*7) in the ADAMTS18 gene. It is expected to result in an absent or disrupted protein product. Loss-of-function variants in ADAMTS18 are known to be pathogenic (PMID: 23818446, 24874986). The frequency data for this variant in the population databases is considered unreliable, as metrics indicate poor data quality at this position in the gnomAD database. This variant has not been reported in the literature in individuals affected with ADAMTS18-related conditions. Algorithms developed to predict the effect of sequence changes on RNA splicing suggest that this variant may disrupt the consensus splice site. For these reasons, this variant has been classified as Pathogenic.

Literature cited by the submitters: PubMed 23818446; PubMed 24874986.

NM_199355.4(ADAMTS18):c.2085del (p.Phe695fs)

Gene: ADAMTS18 (ADAM metallopeptidase with thrombospondin type 1 motif 18; minus strand). Cytogenetic location: 16q23.1.
Variant type: Deletion.
Coding change: c.2085del on transcript NM_199355.4 (MANE Select); coding-DNA position 2085, one base deleted (T; older notation c.2085delT).
Protein change: p.Phe695fs; shifts the reading frame from phenylalanine 695.
Molecular consequence: frameshift variant.
Genome position (GRCh38, 1-based): chr16:77,322,414, A deleted on the plus strand (T on the coding strand, the reverse complement: ADAMTS18 is on the minus strand); the first of 9 consecutive A bases (chr16:77,322,414-77,322,422); deleting any one gives the same sequence. VCF-style (leftmost placement, unchanged base first): chr16-77322413-CA-C. GRCh37 (hg19) VCF-style: chr16-77356310-CA-C.
Other names: c.1569del, p.Phe523fs (NM_001326358.2); short protein forms F523fs, F695fs.
Identifiers: ClinVar variation 3679904 (VCV003679904.2).